The following is an entry in ClinVar:

NM_153704.6(TMEM67):c.2100+3A>G

Gene: TMEM67 (transmembrane protein 67; plus strand). Cytogenetic location: 8q22.1.
Variant type: single nucleotide variant.
Coding change: c.2100+3A>G on transcript NM_153704.6 (MANE Select); 3 bases into the intron after coding-DNA position 2100, A replaced by G.
Molecular consequence: intron variant.
Genome position (GRCh38, 1-based): chr8:93,797,473, A>G. VCF-style: chr8-93797473-A-G. GRCh37 (hg19) VCF-style: chr8-94809701-A-G.
Other names: c.1857+3A>G (NM_001142301.1).
Identifiers: ClinVar variation 1389526 (VCV001389526.9), dbSNP rs376417882, ClinGen allele CA181340935.

ClinVar aggregate classification (germline): Conflicting classifications of pathogenicity. Review status: criteria provided, conflicting classifications (1 of 4 stars). 3 submissions from 3 submitters: Likely pathogenic (1); Uncertain significance (2). Last evaluated 2022-08-31.

Conditions:
Joubert syndrome. Also called: CEREBELLOPARENCHYMAL DISORDER IV; JOUBERT-BOLTSHAUSER SYNDROME; Familial aplasia of the vermis. Identifiers: Orphanet 475, MedGen C5979921, MONDO:0018772.
Meckel-Gruber syndrome. Also called: DYSENCEPHALIA SPLANCHNOCYSTICA; GRUBER SYNDROME; Dysencephalia splachnocystica. Identifiers: Orphanet 564, MedGen C0265215, MONDO:0018921.
Bardet-Biedl syndrome 14 (BBS14). Identifiers: Orphanet 110, MedGen C2673874, MONDO:0014442, OMIM 615991.
Joubert syndrome 6 (JBTS6). Identifiers: Orphanet 475, MedGen C1853153, MONDO:0012539, OMIM 610688.
RHYNS syndrome. Also called: RETINITIS PIGMENTOSA SYNDROME; RETINITIS PIGMENTOSA, HYPOPITUITARISM, NEPHRONOPHTHISIS, AND MILD SKELETAL DYSPLASIA. Identifiers: Orphanet 140976, MedGen C1865794, MONDO:0011202, OMIM 602152.
Meckel syndrome, type 3 (MKS3). Also called: MECKEL-GRUBER SYNDROME, TYPE 3. Identifiers: Orphanet 564, MedGen C1846357, MONDO:0011821, OMIM 607361.
COACH syndrome 1. Identifiers: Orphanet 1454, MedGen C5435651, MONDO:0800103, OMIM 216360, MONDO:0008996.
Nephronophthisis 11 (NPHP11). Identifiers: Orphanet 84081, MedGen C3150796, MONDO:0013302, OMIM 613550.

Allele frequency attached by ClinVar (database versions not stated): TOPMed below 0.00001; gnomAD 0.00001; ESP Exome Variant Server 0.00008.
gnomAD v4.1: 11 of 1,612,844 alleles (0.00068%); highest among the groups gnomAD compares: East Asian, 0.02%; no homozygotes.

Submissions (3):

Labcorp Genetics (formerly Invitae), Labcorp
Classification: Uncertain significance for Joubert syndrome; Meckel-Gruber syndrome. Last evaluated: 2022-08-31. Review status: criteria provided, single submitter. Criteria: Invitae Variant Classification Sherloc (09022015). Collection method: clinical testing. Allele origin: germline.
Comment: In summary, the available evidence is currently insufficient to determine the role of this variant in disease. Therefore, it has been classified as a Variant of Uncertain Significance. Variants that disrupt the consensus splice site are a relatively common cause of aberrant splicing (PMID: 17576681, 9536098). Algorithms developed to predict the effect of sequence changes on RNA splicing suggest that this variant may disrupt the consensus splice site. ClinVar contains an entry for this variant (Variation ID: 1389526). This variant has not been reported in the literature in individuals affected with TMEM67-related conditions. This variant is not present in population databases (gnomAD no frequency). This sequence change falls in intron 20 of the TMEM67 gene. It does not directly change the encoded amino acid sequence of the TMEM67 protein. It affects a nucleotide within the consensus splice site.

Fulgent Genetics
Classification: Uncertain significance for COACH syndrome 1; RHYNS syndrome; Meckel syndrome, type 3; Joubert syndrome 6; Nephronophthisis 11; Bardet-Biedl syndrome 14. Last evaluated: 2022-05-26. Review status: criteria provided, single submitter. Criteria: ACMG Guidelines, 2015. Collection method: clinical testing. Allele origin: unknown.

Department of Maternal-Fetal Biology, National Research Institute for Child Health and Development
Classification: Likely pathogenic for Meckel syndrome, type 3. Last evaluated: 2022-01-01. Review status: criteria provided, single submitter. Criteria: ACMG Guidelines, 2015. Collection method: research. Allele origin: paternal. Affected: yes. Observed: 1 variant allele.

Literature cited by the submitters: PubMed 17576681 (cited by Labcorp Genetics (formerly Invitae), Labcorp); PubMed 9536098 (cited by Labcorp Genetics (formerly Invitae), Labcorp).